The following is an entry in ClinVar:

ClinVar aggregate classification (germline): Uncertain significance. Review status: criteria provided, multiple submitters, no conflicts (2 of 4 stars). 4 submissions from 3 submitters: Uncertain significance (4). Last evaluated 2024-10-14.

Conditions:
Spinocerebellar ataxia, autosomal recessive, with axonal neuropathy 2 (SCAN2). Also called: ATAXIA-OCULOMOTOR APRAXIA 2; Ataxia with Oculomotor Apraxia; Ataxia-ocular apraxia-2; Ataxia with Oculomotor Apraxia Type 2. Identifiers: Orphanet 64753, MedGen C1853761, MONDO:0018996, OMIM 606002.
Amyotrophic lateral sclerosis type 4 (ALS4). Also called: AMYOTROPHIC LATERAL SCLEROSIS 4, JUVENILE; NEURONOPATHY, DISTAL HEREDITARY MOTOR, WITH PYRAMIDAL FEATURES. Identifiers: Orphanet 357043, MedGen C1865409, MONDO:0011223, OMIM 602433.

Allele frequency attached by ClinVar (database versions not stated): gnomAD 0.00001; gnomAD exomes 0.00001; TOPMed 0.00002.

Submissions (4):

Labcorp Genetics (formerly Invitae), Labcorp
Classification: Uncertain significance for Amyotrophic lateral sclerosis type 4; Spinocerebellar ataxia, autosomal recessive, with axonal neuropathy 2. Last evaluated: 2024-10-14. Review status: criteria provided, single submitter. Criteria: Invitae Variant Classification Sherloc (09022015). Collection method: clinical testing. Allele origin: germline.
Comment: This sequence change replaces asparagine, which is neutral and polar, with serine, which is neutral and polar, at codon 24 of the SETX protein (p.Asn24Ser). This variant is not present in population databases (gnomAD no frequency). This variant has not been reported in the literature in individuals affected with SETX-related conditions. ClinVar contains an entry for this variant (Variation ID: 468524). Invitae Evidence Modeling of protein sequence and biophysical properties (such as structural, functional, and spatial information, amino acid conservation, physicochemical variation, residue mobility, and thermodynamic stability) indicates that this missense variant is not expected to disrupt SETX protein function with a negative predictive value of 95%. In summary, the available evidence is currently insufficient to determine the role of this variant in disease. Therefore, it has been classified as a Variant of Uncertain Significance.

Genome-Nilou Lab
Classification: Uncertain significance for Spinocerebellar ataxia, autosomal recessive, with axonal neuropathy 2. Last evaluated: 2023-02-08. Review status: criteria provided, single submitter. Criteria: ACMG Guidelines, 2015. Collection method: clinical testing. Allele origin: germline.

Genome-Nilou Lab
Classification: Uncertain significance for Amyotrophic lateral sclerosis type 4. Last evaluated: 2023-02-08. Review status: criteria provided, single submitter. Criteria: ACMG Guidelines, 2015. Collection method: clinical testing. Allele origin: germline.

Fulgent Genetics
Classification: Uncertain significance for Amyotrophic lateral sclerosis type 4; Spinocerebellar ataxia, autosomal recessive, with axonal neuropathy 2. Last evaluated: 2018-10-31. Review status: criteria provided, single submitter. Criteria: ACMG Guidelines, 2015. Collection method: clinical testing. Allele origin: unknown.

NM_015046.7(SETX):c.71A>G (p.Asn24Ser)

Gene: SETX (senataxin; minus strand). Cytogenetic location: 9q34.13.
Variant type: single nucleotide variant.
Coding change: c.71A>G on transcript NM_015046.7 (MANE Select); coding-DNA position 71, A replaced by G.
Protein change: p.Asn24Ser; replaces asparagine 24 with serine.
Molecular consequence: missense variant.
Genome position (GRCh38, 1-based): chr9:132,349,358, T>C on the plus strand (A>G on the coding strand, the complement: SETX is on the minus strand). VCF-style: chr9-132349358-T-C. GRCh37 (hg19) VCF-style: chr9-135224745-T-C.
Other names: c.71A>G, p.Asn24Ser (NM_001351527.2, NM_001351528.2); short protein forms N24S.
Identifiers: ClinVar variation 468524 (VCV000468524.6), dbSNP rs981346599, ClinGen allele CA200838232.